The following is an entry in ClinVar:

NM_002292.4(LAMB2):c.1222C>T (p.Arg408Cys)

Gene: LAMB2 (laminin subunit beta 2; minus strand). Cytogenetic location: 3p21.31.
Variant type: single nucleotide variant.
Coding change: c.1222C>T on transcript NM_002292.4 (MANE Select); coding-DNA position 1222, C replaced by T.
Protein change: p.Arg408Cys; replaces arginine 408 with cysteine.
Molecular consequence: missense variant.
Genome position (GRCh38, 1-based): chr3:49,130,234, G>A on the plus strand (C>T on the coding strand, the complement: LAMB2 is on the minus strand). VCF-style: chr3-49130234-G-A. GRCh37 (hg19) VCF-style: chr3-49167667-G-A.
Other names: c.1222C>T (NM_002292.3); short protein forms R408C.
Identifiers: ClinVar variation 1411918 (VCV001411918.8), dbSNP rs759728774, ClinGen allele CA2394665.

ClinVar aggregate classification (germline): Uncertain significance. Review status: criteria provided, multiple submitters, no conflicts (2 of 4 stars). 3 submissions from 3 submitters: Uncertain significance (3). Last evaluated 2024-10-07.

Conditions:
LAMB2-related infantile-onset nephrotic syndrome. Also called: NEPHROTIC SYNDROME, TYPE 5, WITHOUT OCULAR ABNORMALITIES; NEPHROTIC SYNDROME, TYPE 5, WITH OCULAR ABNORMALITIES; Nephrotic Syndrome, type 5. Identifiers: Orphanet 306507, MedGen C3280113, MONDO:0013621, OMIM 614199.
Pierson syndrome. Also called: MICROCORIA-CONGENITAL NEPHROTIC SYNDROME. Identifiers: Orphanet 2670, MedGen C1836876, MONDO:0012184, OMIM 609049.

Allele frequency attached by ClinVar (database versions not stated): ExAC 0.00001; gnomAD exomes 0.00001; gnomAD 0.00002; TOPMed 0.00002.
gnomAD v4.1: 7 of 1,614,070 alleles (0.00043%); highest among the groups gnomAD compares: Admixed American, 0.0033%; no homozygotes.

Submissions (3):

GeneDx
Classification: Uncertain significance. Last evaluated: 2024-10-07. Review status: criteria provided, single submitter. Criteria: GeneDx Variant Classification Process June 2021. Collection method: clinical testing. Allele origin: germline. Affected: yes.
Comment: Not observed at significant frequency in large population cohorts (gnomAD); In silico analysis indicates that this missense variant does not alter protein structure/function; Has not been previously published as pathogenic or benign to our knowledge

Fulgent Genetics
Classification: Uncertain significance for Pierson syndrome; LAMB2-related infantile-onset nephrotic syndrome. Last evaluated: 2024-06-11. Review status: criteria provided, single submitter. Criteria: ACMG Guidelines, 2015. Collection method: clinical testing. Allele origin: germline.

Labcorp Genetics (formerly Invitae), Labcorp
Classification: Uncertain significance for LAMB2-related infantile-onset nephrotic syndrome; Pierson syndrome. Last evaluated: 2023-04-09. Review status: criteria provided, single submitter. Criteria: Invitae Variant Classification Sherloc (09022015). Collection method: clinical testing. Allele origin: germline.
Comment: In summary, the available evidence is currently insufficient to determine the role of this variant in disease. Therefore, it has been classified as a Variant of Uncertain Significance. An algorithm developed to predict the effect of missense changes on protein structure and function (PolyPhen-2) suggests that this variant is likely to be disruptive. ClinVar contains an entry for this variant (Variation ID: 1411918). This variant has not been reported in the literature in individuals affected with LAMB2-related conditions. This variant is present in population databases (rs759728774, gnomAD 0.006%). This sequence change replaces arginine, which is basic and polar, with cysteine, which is neutral and slightly polar, at codon 408 of the LAMB2 protein (p.Arg408Cys).